The following is an entry in ClinVar:

NM_004006.3(DMD):c.2069C>T (p.Thr690Ile)

Gene: DMD (dystrophin; minus strand). Cytogenetic location: Xp21.1.
Variant type: single nucleotide variant.
Coding change: c.2069C>T on transcript NM_004006.3 (MANE Select); coding-DNA position 2069, C replaced by T.
Protein change: p.Thr690Ile; replaces threonine 690 with isoleucine.
Molecular consequence: missense variant.
Genome position (GRCh38, 1-based): chrX:32,545,258, G>A on the plus strand (C>T on the coding strand, the complement: DMD is on the minus strand). VCF-style: chrX-32545258-G-A. GRCh37 (hg19) VCF-style: chrX-32563375-G-A.
Other names: c.2045C>T, p.Thr682Ile (NM_000109.4); c.2057C>T, p.Thr686Ile (NM_004009.3); c.1700C>T, p.Thr567Ile (NM_004010.3); short protein forms T567I, T682I, T690I, T686I.
Identifiers: ClinVar variation 644558 (VCV000644558.12), dbSNP rs762475657, ClinGen allele CA10379647.

ClinVar aggregate classification (germline): Conflicting classifications of pathogenicity. Review status: criteria provided, conflicting classifications (1 of 4 stars). 5 submissions from 5 submitters: Uncertain significance (3); Likely benign (1). 1 of the submissions does not count toward it. Last evaluated 2025-11-08.

Conditions:
Cardiomyopathy (CMYO). Also called: Cardiomyopathies. Identifiers: Orphanet 167848, MedGen C0878544, MONDO:0004994, HP:0001638. Inheritance: Various modes of inheritance.
Duchenne muscular dystrophy (DMD). Also called: MUSCULAR DYSTROPHY, PSEUDOHYPERTROPHIC PROGRESSIVE, DUCHENNE TYPE; Duchenne Muscular Dystrophy (DMD). Identifiers: Orphanet 98896, MedGen C0013264, MONDO:0010679, OMIM 310200.
Becker muscular dystrophy (BMD). Also called: MUSCULAR DYSTROPHY, PSEUDOHYPERTROPHIC PROGRESSIVE, BECKER TYPE; Becker Muscular Dystrophy (BMD). Identifiers: Orphanet 98895, MedGen C0917713, MONDO:0010311, OMIM 300376.
Dystrophin deficiency.

Allele frequency attached by ClinVar (database versions not stated): TOPMed 0.00001; ExAC 0.00002; gnomAD exomes 0.00002 and 0.00003; gnomAD 0.00003.
gnomAD v4.1: 33 of 1,208,361 alleles (0.0027%); highest among the groups gnomAD compares: Non-Finnish European, 0.0036%; no homozygotes.

Submissions (5):

Labcorp Genetics (formerly Invitae), Labcorp
Classification: Uncertain significance for Duchenne muscular dystrophy. Last evaluated: 2025-11-08. Review status: criteria provided, single submitter. Criteria: Invitae Variant Classification Sherloc (09022015). Collection method: clinical testing. Allele origin: germline.
Comment: This sequence change replaces threonine, which is neutral and polar, with isoleucine, which is neutral and non-polar, at codon 690 of the DMD protein (p.Thr690Ile). This variant is present in population databases (rs762475657, gnomAD 0.006%). This variant has not been reported in the literature in individuals affected with DMD-related conditions. ClinVar contains an entry for this variant (Variation ID: 644558). Invitae Evidence Modeling of protein sequence and biophysical properties (such as structural, functional, and spatial information, amino acid conservation, physicochemical variation, residue mobility, and thermodynamic stability) indicates that this missense variant is not expected to disrupt DMD protein function with a negative predictive value of 95%. In summary, the available evidence is currently insufficient to determine the role of this variant in disease. Therefore, it has been classified as a Variant of Uncertain Significance.

Laboratory of Genetics, Children's Clinical University Hospital Latvia
Classification: Likely benign. Last evaluated: 2025-02-16. Review status: criteria provided, single submitter. Criteria: ACMG Guidelines, 2015. Collection method: clinical testing. Allele origin: germline. Affected: yes.

Athena Diagnostics
Classification: Uncertain significance. Last evaluated: 2022-11-16. Review status: criteria provided, single submitter. Criteria: Athena Diagnostics Criteria. Collection method: clinical testing. Allele origin: unknown.
Comment: Available data are insufficient to determine the clinical significance of the variant at this time. The frequency of this variant in the general population is uninformative in assessment of its pathogenicity. Computational tools disagree on the variant's effect on normal protein function. According to published research, less than 2% of dystrophin-related disease is due to missense mutation (Flanigan, et al. 2009. Hum Mutat 30: 1657-66. PMID: 19937601).

Revvity Omics, Revvity
Classification: Uncertain significance. Last evaluated: 2021-12-13. Review status: criteria provided, single submitter. Criteria: ACMG Guidelines, 2015. Collection method: clinical testing. Allele origin: germline.

Natera, Inc.
Classification: Uncertain significance for Becker muscular dystrophy; Cardiomyopathy; Duchenne muscular dystrophy; Dystrophin deficiency. Last evaluated: 2018-09-25. Review status: no assertion criteria provided. Collection method: clinical testing. Allele origin: germline. Not counted in ClinVar's aggregate classification.